The following is an entry in ClinVar:

ClinVar aggregate classification (germline): Uncertain significance (1 of 4 stars; one submission).

gnomAD v4.1: 1 of 1,613,844 alleles (0.000062%); highest among the groups gnomAD compares: Non-Finnish European, 0.000085%; no homozygotes.

Submission:

Women's Health and Genetics/Laboratory Corporation of America, LabCorp
Classification: Uncertain significance. Last evaluated: 2026-01-26. Review status: criteria provided, single submitter. Criteria: LabCorp Variant Classification Summary - May 2015. Collection method: clinical testing. Allele origin: germline.
Comment: Variant summary: CFTR c.38C>A (p.Ser13Tyr) results in a non-conservative amino acid change in the encoded protein sequence. Algorithms developed to predict the effect of missense changes on protein structure and function all suggest that this variant is likely to be disruptive. The variant allele was found at a frequency of 6.2e-07 in 1613844 control chromosomes. The available data on variant occurrences in the general population are insufficient to allow any conclusion about variant significance. This report does not provide unequivocal conclusions about association of the variant with CFTR-related conditions. To our knowledge, no experimental evidence demonstrating an impact on protein function has been reported. The following publication has been ascertained in the context of this evaluation (PMID: 20021716). No submitters have cited clinical-significance assessments for this variant to ClinVar. Based on the evidence outlined above, the variant was classified as uncertain significance.

Literature cited by the submitters: PubMed 20021716.

NM_000492.4(CFTR):c.38C>A (p.Ser13Tyr)

Gene: CFTR (CF transmembrane conductance regulator; plus strand). Cytogenetic location: 7q31.2.
Variant type: single nucleotide variant.
Coding change: c.38C>A on transcript NM_000492.4 (MANE Select); coding-DNA position 38, C replaced by A.
Protein change: p.Ser13Tyr; replaces serine 13 with tyrosine.
Molecular consequence: missense variant.
Genome position (GRCh38, 1-based): chr7:117,480,132, C>A. VCF-style: chr7-117480132-C-A. GRCh37 (hg19) VCF-style: chr7-117120186-C-A.
Other names: short protein forms S13Y.
Identifiers: ClinVar variation 4689723 (VCV004689723.1).
Genomic context (GRCh38, chr7:117,480,132, plus strand): 5'-GGGACCCCAGCGCCCGAGAGACCATGCAGAGGTCGCCTCTGGAAAAGGCCAGCGTTGTCT[C>A]CAAACTTTTTTTCAGGTGAGAAGGTGGCCAACCGAGCTTCGGAAAGACACGTGCCCACGA-3'
Protein context (NP_000483.3, residues 3-23): RSPLEKASVV[Ser13Tyr]KLFFSWTRPI